The following is an entry in ClinVar:

ClinVar aggregate classification (germline): Uncertain significance (1 of 4 stars; one submission).

Conditions:
Inborn genetic diseases. Identifiers: MedGen C0950123, MeSH D030342.

Submission:

Ambry Genetics
Classification: Uncertain significance for Inborn genetic diseases. Last evaluated: 2021-07-08. Review status: criteria provided, single submitter. Criteria: Ambry Variant Classification Scheme 2023. Collection method: clinical testing. Allele origin: germline.
Comment: The c.1420-4A>T intronic alteration results from an A to T substitution 4 nucleotides before coding exon 8 of the GATAD2B gene. In silico splice site analysis predicts that this alteration will not have any significant effect on splicing. Based on insufficient or conflicting evidence, the clinical significance of this alteration remains unclear.

NM_020699.4(GATAD2B):c.1420-4A>T

Gene: GATAD2B (GATA zinc finger domain containing 2B; minus strand). Cytogenetic location: 1q21.3.
Variant type: single nucleotide variant.
Coding change: c.1420-4A>T on transcript NM_020699.4 (MANE Select); 4 bases into the intron before coding-DNA position 1420, A replaced by T.
Molecular consequence: intron variant.
Genome position (GRCh38, 1-based): chr1:153,812,136, T>A on the plus strand (A>T on the coding strand, the complement: GATAD2B is on the minus strand). VCF-style: chr1-153812136-T-A. GRCh37 (hg19) VCF-style: chr1-153784612-T-A.
Identifiers: ClinVar variation 2221456 (VCV002221456.2), dbSNP rs2525234463, ClinGen allele CA2580061072.